The following is an entry in ClinVar:

ClinVar aggregate classification (germline): Uncertain significance (1 of 4 stars; one submission).

Conditions:
Inborn genetic diseases. Identifiers: MedGen C0950123, MeSH D030342.

Submission:

Ambry Genetics
Classification: Uncertain significance for Inborn genetic diseases. Last evaluated: 2024-08-27. Review status: criteria provided, single submitter. Criteria: Ambry Variant Classification Scheme 2023. Collection method: clinical testing. Allele origin: germline.
Comment: The p.S2404P variant (also known as c.7210T>C), located in coding exon 49 of the LRRK2 gene, results from a T to C substitution at nucleotide position 7210. The serine at codon 2404 is replaced by proline, an amino acid with similar properties. This amino acid position is conserved. In addition, the in silico prediction for this alteration is inconclusive. Based on the available evidence, the clinical significance of this variant remains unclear.

NM_198578.4(LRRK2):c.7210T>C (p.Ser2404Pro)

Gene: LRRK2 (leucine rich repeat kinase 2; plus strand). Cytogenetic location: 12q12.
Variant type: single nucleotide variant.
Coding change: c.7210T>C on transcript NM_198578.4 (MANE Select); coding-DNA position 7210, T replaced by C.
Protein change: p.Ser2404Pro; replaces serine 2404 with proline.
Molecular consequence: missense variant.
Genome position (GRCh38, 1-based): chr12:40,364,870, T>C. VCF-style: chr12-40364870-T-C. GRCh37 (hg19) VCF-style: chr12-40758672-T-C.
Other names: short protein forms S2404P.
Identifiers: ClinVar variation 3540643 (VCV003540643.1).